The following is an entry in ClinVar:

ClinVar aggregate classification (germline): Likely pathogenic (1 of 4 stars; one submission).

Allele frequency attached by ClinVar (database versions not stated): TOPMed below 0.00001.

Submission:

GeneDx
Classification: Likely pathogenic. Last evaluated: 2026-02-11. Review status: criteria provided, single submitter. Criteria: GeneDx Variant Classification Process June 2021. Collection method: clinical testing. Allele origin: germline. Affected: yes.
Comment: Has not been previously published as pathogenic or benign to our knowledge; Frameshift variant predicted to result in abnormal protein length as the last 1129 amino acids are replaced with 7 different amino acids, and other similar variants have been reported; Not observed at significant frequency in large population cohorts (gnomAD); This variant is associated with the following publications: (PMID: 24077912)

NM_019066.5(MAGEL2):c.362del (p.Gln121fs)

Gene: MAGEL2 (MAGE family member L2; minus strand). Cytogenetic location: 15q11.2.
Variant type: Deletion.
Coding change: c.362del on transcript NM_019066.5 (MANE Select); coding-DNA position 362, one base deleted (A; older notation c.362delA).
Protein change: p.Gln121fs; shifts the reading frame from glutamine 121.
Molecular consequence: frameshift variant.
Genome position (GRCh38, 1-based): chr15:23,647,381, T deleted on the plus strand (A on the coding strand, the reverse complement: MAGEL2 is on the minus strand). VCF-style (leftmost placement, unchanged base first): chr15-23647380-CT-C. GRCh37 (hg19) VCF-style: chr15-23892527-CT-C.
Other names: short protein forms Q121fs.
Identifiers: ClinVar variation 1327870 (VCV001327870.3), dbSNP rs1890442258, ClinGen allele CA2164303265.